The following is an entry in ClinVar:

ClinVar aggregate classification (germline): Uncertain significance (1 of 4 stars; one submission).

Submission:

ISCA site 4
Classification: Uncertain significance. Last evaluated: 2011-08-12. Review status: criteria provided, single submitter. Criteria: Kaminsky et al. (Genet Med. 2011). Collection method: clinical testing. Allele origin: unknown. Affected: yes. Observed: 1 variant allele.
Comment: Copy number variation identified through the course of routine clinical cytogenomic testing in postnatal populations. Clinical assertions have been curated as described in Kaminsky et al. 2011.

GRCh38/hg38 9p23(chr9:10381123-11173149)x3

Genes: LINC03131 (long independently transcribed non-coding RNA 3131; minus strand), PTPRD (protein tyrosine phosphatase receptor type D; minus strand), PTPRD-DT (PTPRD divergent transcript; plus strand), LOC124210615 (Sharpr-MPRA regulatory region 873; plus strand), LOC130001558 (ATAC-STARR-seq lymphoblastoid silent region 19773; plus strand). Cytogenetic location: 9p23.
Variant type: copy number gain.
Change: copy number 3 (three copies instead of two) of chr9:10,381,123-11,173,149 (792.0 kb, GRCh38 coordinates, 1-based), cytogenetic band 9p23.
Identifiers: ClinVar variation 58465 (VCV000058465.1).